The following is an entry in ClinVar:

ClinVar aggregate classification (germline): Pathogenic (1 of 4 stars; one submission).

Conditions:
Duchenne muscular dystrophy (DMD). Also called: MUSCULAR DYSTROPHY, PSEUDOHYPERTROPHIC PROGRESSIVE, DUCHENNE TYPE; Duchenne Muscular Dystrophy (DMD). Identifiers: Orphanet 98896, MedGen C0013264, MONDO:0010679, OMIM 310200.

Submission:

Labcorp Genetics (formerly Invitae), Labcorp
Classification: Pathogenic for Duchenne muscular dystrophy. Last evaluated: 2018-06-01. Review status: criteria provided, single submitter. Criteria: Invitae Variant Classification Sherloc (09022015). Collection method: clinical testing. Allele origin: germline.
Comment: This variant is an out-of-frame deletion of the genomic region encompassing exons 51-55 of the DMD gene. This is expected to create a premature translational stop signal and result in an absent or disrupted protein product. A similar deletion of exons 51-55 has been reported in individuals affected with DMD-related muscular dystrophy (PMID: 22090376, 15841391, 16030524, 9800909, 27206868, 21228398). Loss-of-function variants in DMD are known to be pathogenic (PMID: 16770791, 25007885). For these reasons, this variant has been classified as Pathogenic.

Literature cited by the submitters: PubMed 22090376; PubMed 15841391; PubMed 16030524; PubMed 9800909; PubMed 27206868; PubMed 21228398.

NC_000023.11:g.(?_31609621)_(31774212_?)del

Gene: DMD (dystrophin; minus strand). Cytogenetic location: Xp21.1.
Variant type: Deletion.
Identifiers: ClinVar variation 584013 (VCV000584013.1).